The following is an entry in ClinVar:

NM_001394372.1(BICRA):c.338T>G (p.Ile113Ser)

Gene: BICRA (BRD4 interacting chromatin remodeling complex associated protein; plus strand). Cytogenetic location: 19q13.33.
Variant type: single nucleotide variant.
Coding change: c.338T>G on transcript NM_001394372.1 (MANE Select); coding-DNA position 338, T replaced by G.
Protein change: p.Ile113Ser; replaces isoleucine 113 with serine.
Molecular consequence: missense variant.
Genome position (GRCh38, 1-based): chr19:47,679,508, T>G. VCF-style: chr19-47679508-T-G. GRCh37 (hg19) VCF-style: chr19-48182765-T-G.
Other names: c.338T>G, p.Ile113Ser (NM_015711.3); short protein forms I113S.
Identifiers: ClinVar variation 1327278 (VCV001327278.2), dbSNP rs2123584602, ClinGen allele CA406608745.

ClinVar aggregate classification (germline): Uncertain significance (1 of 4 stars; one submission).

Submission:

GeneDx
Classification: Uncertain significance. Last evaluated: 2021-06-03. Review status: criteria provided, single submitter. Criteria: GeneDx Variant Classification Process June 2021. Collection method: clinical testing. Allele origin: germline. Affected: yes.
Comment: Not observed at significant frequency in large population cohorts (Lek et al., 2016); In silico analysis supports that this missense variant does not alter protein structure/function; Has not been previously published as pathogenic or benign to our knowledge; This variant is associated with the following publications: (PMID: 27535533)